The following is an entry in ClinVar:

NM_000334.4(SCN4A):c.3829A>T (p.Ile1277Phe)

Genes: GH-LCR (growth hormone locus control region; plus strand), SCN4A (sodium voltage-gated channel alpha subunit 4; minus strand). Cytogenetic location: 17q23.3.
Variant type: single nucleotide variant.
Coding change: c.3829A>T on transcript NM_000334.4 (MANE Select); coding-DNA position 3829, A replaced by T.
Protein change: p.Ile1277Phe; replaces isoleucine 1277 with phenylalanine.
Molecular consequence: missense variant.
Genome position (GRCh38, 1-based): chr17:63,944,756, T>A on the plus strand (A>T on the coding strand, the complement: SCN4A is on the minus strand). VCF-style: chr17-63944756-T-A. GRCh37 (hg19) VCF-style: chr17-62022116-T-A.
Other names: short protein forms I1277F.
Identifiers: ClinVar variation 937811 (VCV000937811.10), dbSNP rs776750130, ClinGen allele CA8709131.
Genomic context (GRCh38, chr17:63,944,756, plus strand): 5'-TGTCAATGATGACGCCAATGAAGAGGTTGAGGGTGAAGAAGGAGCCAAAGATGATGAAGA[T>A]GACAAAGTAGAGGTACATGTAGAGGTTCACCTCGTACTGCGGCTGCTCCTCCTTCTGTGG-3'
Protein context (NP_000325.4, residues 1267-1287): VNLYMYLYFV[Ile1277Phe]FIIFGSFFTL

ClinVar aggregate classification (germline): Uncertain significance. Review status: criteria provided, multiple submitters, no conflicts (2 of 4 stars). 3 submissions from 3 submitters: Uncertain significance (3). Last evaluated 2025-11-01.

Conditions:
Paramyotonia congenita of Von Eulenburg. Also called: PARALYSIS PERIODICA PARAMYOTONICA; Eulenburg disease; Myotonia congenita intermittens; Von Eulenburg paramyotonia congenita; Paramyotonia Congenita. Identifiers: Orphanet 684, MedGen C0221055, MONDO:0008195, OMIM 168300. Disease mechanism: loss of function.
Congenital myopathy 22A, classic (CMYO22A). Identifiers: MedGen C5830453, MONDO:0957247, OMIM 620351.
Congenital myopathy 22B, severe fetal (CMYO22B). Identifiers: MedGen C5830501, MONDO:0957265, OMIM 620369.
Congenital myasthenic syndrome 16. Identifiers: Orphanet 590, MedGen C3280112, MONDO:0013620, OMIM 614198.
Hypokalemic periodic paralysis, type 2 (HOKPP2). Identifiers: Orphanet 681, MedGen C2750061, MONDO:0013234, OMIM 613345.
Potassium-aggravated myotonia. Also called: Myotonia congenita, atypical, acetazolamide-responsive; MYOTONIA CONGENITA, ACETAZOLAMIDE-RESPONSIVE; MYOTONIA CONGENITA, ATYPICAL; SODIUM CHANNEL MUSCLE DISEASE. Identifiers: Orphanet 612, Orphanet 99734, Orphanet 99735, Orphanet 99736, MedGen C2931826, MONDO:0018959, OMIM 608390.
Hyperkalemic periodic paralysis. Also called: Gamstorp disease; Familial hyperkalemic periodic paralysis. Identifiers: Orphanet 682, MedGen C0238357, MONDO:0008224, OMIM 170500, HP:0007215.

Allele frequency attached by ClinVar (database versions not stated): gnomAD 0.00001; TOPMed 0.00003.
gnomAD v4.1: 40 of 1,613,722 alleles (0.0025%); highest among the groups gnomAD compares: Non-Finnish European, 0.0032%; no homozygotes.

Submissions (3):

Labcorp Genetics (formerly Invitae), Labcorp
Classification: Uncertain significance for Hyperkalemic periodic paralysis. Last evaluated: 2025-11-01. Review status: criteria provided, single submitter. Criteria: Invitae Variant Classification Sherloc (09022015). Collection method: clinical testing. Allele origin: germline.
Comment: This sequence change replaces isoleucine, which is neutral and non-polar, with phenylalanine, which is neutral and non-polar, at codon 1277 of the SCN4A protein (p.Ile1277Phe). This variant is present in population databases (rs776750130, gnomAD 0.003%). This variant has not been reported in the literature in individuals affected with SCN4A-related conditions. ClinVar contains an entry for this variant (Variation ID: 937811). Invitae Evidence Modeling of protein sequence and biophysical properties (such as structural, functional, and spatial information, amino acid conservation, physicochemical variation, residue mobility, and thermodynamic stability) indicates that this missense variant is not expected to disrupt SCN4A protein function with a negative predictive value of 95%. In summary, the available evidence is currently insufficient to determine the role of this variant in disease. Therefore, it has been classified as a Variant of Uncertain Significance.

Fulgent Genetics
Classification: Uncertain significance for Paramyotonia congenita of Von Eulenburg; Hyperkalemic periodic paralysis; Potassium-aggravated myotonia; Hypokalemic periodic paralysis, type 2; Congenital myasthenic syndrome 16; Congenital myopathy 22A, classic; Congenital myopathy 22B, severe fetal. Last evaluated: 2024-05-23. Review status: criteria provided, single submitter. Criteria: ACMG Guidelines, 2015. Collection method: clinical testing. Allele origin: germline.

Athena Diagnostics
Classification: Uncertain significance. Last evaluated: 2022-05-09. Review status: criteria provided, single submitter. Criteria: Athena Diagnostics Criteria. Collection method: clinical testing. Allele origin: unknown.